The following is an entry in ClinVar:

NM_014363.6(SACS):c.10298C>T (p.Thr3433Ile)

Gene: SACS (sacsin molecular chaperone; minus strand). Cytogenetic location: 13q12.12.
Variant type: single nucleotide variant.
Coding change: c.10298C>T on transcript NM_014363.6 (MANE Select); coding-DNA position 10298, C replaced by T.
Protein change: p.Thr3433Ile; replaces threonine 3433 with isoleucine.
Molecular consequence: missense variant.
Genome position (GRCh38, 1-based): chr13:23,333,578, G>A on the plus strand (C>T on the coding strand, the complement: SACS is on the minus strand). VCF-style: chr13-23333578-G-A. GRCh37 (hg19) VCF-style: chr13-23907717-G-A.
Other names: p.Thr3433Ile; c.10298C>T (NM_014363.4); c.9857C>T, p.Thr3286Ile (NM_001278055.2); short protein forms T3433I, T3286I.
Identifiers: ClinVar variation 696178 (VCV000696178.21), dbSNP rs200991790, ClinGen allele CA6910470.
Genomic context (GRCh38, chr13:23,333,578, plus strand): 5'-AGAAATGCAGATGATGATGACTGTGTCCATTTCTCCACTTCAGCTGAAGGGATACTTTTT[G>A]TAAGTACGTAGCATGTTCCAAATTTTCCAATGCTTACATAGCGGCCACTGATGGATTTAT-3'
Protein context (NP_055178.3, residues 3423-3443): IGKFGTCYVL[Thr3433Ile]KSIPSAEVEK

ClinVar aggregate classification (germline): Conflicting classifications of pathogenicity. Review status: criteria provided, conflicting classifications (1 of 4 stars). 7 submissions from 7 submitters: Uncertain significance (2); Benign (1); Likely benign (4). Last evaluated 2026-09-25.

Conditions:
SACS-related disorder. Also called: SACS-related condition.
Charlevoix-Saguenay spastic ataxia (SACS). Also called: SPASTIC ATAXIA 6, AUTOSOMAL RECESSIVE; AUTOSOMAL RECESSIVE SPASTIC ATAXIA OF CHARLEVOIX-SAGUENAY; Spastic ataxia of Charlevoix-Saguenay. Identifiers: Orphanet 98, MedGen C1849140, MONDO:0010041, OMIM 270550.
Spastic paraplegia. Identifiers: MedGen C0037772, HP:0001258.

Allele frequency attached by ClinVar (database versions not stated): gnomAD 0.00015 and 0.00016; ExAC 0.00016; TOPMed 0.00017; ESP Exome Variant Server 0.00038.
gnomAD v4.1: 232 of 1,613,522 alleles (0.014%); highest among the groups gnomAD compares: Non-Finnish European, 0.0026%; 2 homozygotes.

Submissions (7):

PreventionGenetics, part of Exact Sciences
Classification: Likely benign for SACS-related condition. Last evaluated: 2026-09-25. Review status: criteria provided, single submitter. Criteria: ACMG Guidelines, 2015. Collection method: clinical testing. Allele origin: germline.
Comment: This variant is classified as likely benign based on ACMG/AMP sequence variant interpretation guidelines (Richards et al. 2015 PMID: 25741868, with internal and published modifications).

Labcorp Genetics (formerly Invitae), Labcorp
Classification: Likely benign for Spastic paraplegia. Last evaluated: 2026-01-16. Review status: criteria provided, single submitter. Criteria: Invitae Variant Classification Sherloc (09022015). Collection method: clinical testing. Allele origin: germline.

Athena Diagnostics
Classification: Benign. Last evaluated: 2025-10-29. Review status: criteria provided, single submitter. Criteria: Athena Diagnostics Criteria. Collection method: clinical testing. Allele origin: unknown.
Comment: The frequency of this variant in the general population is higher than would generally be expected for pathogenic variants in this gene.

Women's Health and Genetics/Laboratory Corporation of America, LabCorp
Classification: Uncertain significance. Last evaluated: 2025-10-03. Review status: criteria provided, single submitter. Criteria: LabCorp Variant Classification Summary - May 2015. Collection method: clinical testing. Allele origin: germline.
Comment: Variant summary: SACS c.10298C>T (p.Thr3433Ile) results in a non-conservative amino acid change in the encoded protein sequence. Algorithms developed to predict the effect of missense changes on protein structure and function are either unavailable or do not agree on the potential impact of this missense change. The variant allele was found at a frequency of 0.00025 in 282144 control chromosomes in the gnomAD database, including 1 homozygotes. This frequency is not significantly higher than estimated for disease-causing variants in SACS, allowing no conclusion about variant significance. To our knowledge, no occurrence of c.10298C>T in individuals affected with SACS-related conditions and no experimental evidence demonstrating its impact on protein function have been reported. ClinVar contains an entry for this variant (Variation ID: 696178). Based on the evidence outlined above, the variant was classified as uncertain significance.

Mayo Clinic Laboratories, Mayo Clinic
Classification: Likely benign. Last evaluated: 2025-03-20. Review status: criteria provided, single submitter. Criteria: ACMG Guidelines, 2015. Collection method: clinical testing. Allele origin: germline. Observed: 3 variant alleles.
Comment: BA1

Genome-Nilou Lab
Classification: Likely benign for Charlevoix-Saguenay spastic ataxia. Last evaluated: 2021-09-05. Review status: criteria provided, single submitter. Criteria: ACMG Guidelines, 2015. Collection method: clinical testing. Allele origin: germline. Affected: no.

Illumina Laboratory Services, Illumina
Classification: Uncertain significance for Charlevoix-Saguenay spastic ataxia. Last evaluated: 2017-04-27. Review status: criteria provided, single submitter. Criteria: ICSL Variant Classification Criteria 13 December 2019. Collection method: clinical testing. Allele origin: germline.